The following is an entry in ClinVar:

NM_002474.3(MYH11):c.719C>T (p.Ser240Leu)

Gene: MYH11 (myosin heavy chain 11; minus strand). Cytogenetic location: 16p13.11.
Variant type: single nucleotide variant.
Coding change: c.719C>T on transcript NM_002474.3 (MANE Select); coding-DNA position 719, C replaced by T.
Protein change: p.Ser240Leu; replaces serine 240 with leucine.
Molecular consequence: missense variant.
Genome position (GRCh38, 1-based): chr16:15,782,392, G>A on the plus strand (C>T on the coding strand, the complement: MYH11 is on the minus strand). VCF-style: chr16-15782392-G-A. GRCh37 (hg19) VCF-style: chr16-15876249-G-A.
Other names: c.740C>T, p.Ser247Leu (NM_001040113.2, NM_001040114.2); c.719C>T, p.Ser240Leu (NM_022844.3); short protein forms S240L, S247L.
Identifiers: ClinVar variation 3071279 (VCV003071279.1), dbSNP rs2506612168, ClinGen allele CA394870693.
Genomic context (GRCh38, chr16:15,782,392, plus strand): 5'-CAGGAGATGACACCAAAGCTTTTCTGGAAAATCCATGTGGCTTTGCTACTTACGAATCGT[G>A]AGGAGTTGTCGTTCTTCACTGTTTTGGCGTTGCCGAAAGCCTCCAGAATCGGGTTTGCTT-3'
Protein context (NP_002465.1, residues 230-250): NAKTVKNDNS[Ser240Leu]RFGKFIRINF

ClinVar aggregate classification (germline): Uncertain significance (1 of 4 stars; one submission).

Conditions:
Familial thoracic aortic aneurysm and aortic dissection (TAAD). Also called: Thoracic aortic aneurysms and dissections. Identifiers: Orphanet 91387, MedGen C4707243, MONDO:0019625.

Submission:

All of Us Research Program, National Institutes of Health
Classification: Uncertain significance for Familial thoracic aortic aneurysm and aortic dissection. Last evaluated: 2024-02-05. Review status: criteria provided, single submitter. Criteria: ACMG Guidelines, 2015. Collection method: clinical testing. Allele origin: germline. Inheritance: Autosomal dominant inheritance. Observed: 2 variant alleles, 2 heterozygotes.
Comment: This missense variant replaces serine with leucine at codon 247 of the MYH11 protein. Computational prediction suggests that this variant may have deleterious impact on protein structure and function (internally defined REVEL score threshold >= 0.7, PMID: 27666373). To our knowledge, functional studies have not been reported for this variant. This variant has not been reported in individuals affected with MYH11-related disorders in the literature. This variant has not been identified in the general population by the Genome Aggregation Database (gnomAD). The available evidence is insufficient to determine the role of this variant in disease conclusively. Therefore, this variant is classified as a Variant of Uncertain Significance.

This study involves interpretation of variants in research participants for the purpose of population health screening. Participant phenotype was not available at the time of variant classification. Additional details can be found in publication PMID: 35346344, PMCID: PMC8962531